The following is an entry in ClinVar:

NM_001130987.2(DYSF):c.3366G>A (p.Thr1122=)

Gene: DYSF (dysferlin; plus strand). Cytogenetic location: 2p13.2.
Variant type: single nucleotide variant.
Coding change: c.3366G>A on transcript NM_001130987.2 (MANE Select); coding-DNA position 3366, G replaced by A.
Protein change: p.Thr1122=; no amino-acid change (threonine 1122 retained).
Molecular consequence: synonymous variant.
Genome position (GRCh38, 1-based): chr2:71,574,335, G>A. VCF-style: chr2-71574335-G-A. GRCh37 (hg19) VCF-style: chr2-71801465-G-A.
Other names: c.3366G>A, p.Thr1122= (NM_001130985.2); c.3273G>A, p.Thr1091= (NM_001130986.2, NM_001130984.2); c.3312G>A, p.Thr1104= (NM_003494.4, NM_001130978.2); c.3408G>A, p.Thr1136= (NM_001130982.2); c.3315G>A, p.Thr1105= (NM_001130983.2, NM_001130455.2); c.3270G>A, p.Thr1090= (NM_001130976.2, NM_001130977.2); c.3405G>A, p.Thr1135= (NM_001130979.2); c.3363G>A, p.Thr1121= (NM_001130980.2, NM_001130981.2).
Identifiers: ClinVar variation 1103341 (VCV001103341.13), dbSNP rs149986783, ClinGen allele CA1706532.

ClinVar aggregate classification (germline): Likely benign. Review status: criteria provided, multiple submitters, no conflicts (2 of 4 stars). 2 submissions from 2 submitters: Likely benign (2). Last evaluated 2025-12-01.

Conditions:
Neuromuscular disease caused by qualitative or quantitative defects of dysferlin. Also called: Qualitative or quantitative defects of dysferlin; Dysferlinopathy. Identifiers: Orphanet 207073, MedGen C2931687, MONDO:0016145.

Allele frequency attached by ClinVar (database versions not stated): ExAC 0.00004; gnomAD exomes 0.00005; TOPMed 0.00006; gnomAD 0.00007; ESP Exome Variant Server 0.00015.
gnomAD v4.1: 58 of 1,613,952 alleles (0.0036%); highest among the groups gnomAD compares: African/African-American, 0.0067%; no homozygotes.

Submissions (2):

CeGaT Center for Human Genetics Tuebingen
Classification: Likely benign. Last evaluated: 2025-12-01. Review status: criteria provided, single submitter. Criteria: CeGaT Center For Human Genetics Tuebingen Variant Classification Criteria Version 2. Collection method: clinical testing. Allele origin: germline. Affected: yes. Observed: 1 variant allele.
Comment: DYSF: BP4, BP7

Labcorp Genetics (formerly Invitae), Labcorp
Classification: Likely benign for Neuromuscular disease caused by qualitative or quantitative defects of dysferlin. Last evaluated: 2025-10-25. Review status: criteria provided, single submitter. Criteria: Invitae Variant Classification Sherloc (09022015). Collection method: clinical testing. Allele origin: germline.